The following is an entry in ClinVar:

NM_001868.4(CPA1):c.503A>G (p.Lys168Arg)

Gene: CPA1 (carboxypeptidase A1; plus strand). Cytogenetic location: 7q32.2.
Variant type: single nucleotide variant.
Coding change: c.503A>G on transcript NM_001868.4 (MANE Select); coding-DNA position 503, A replaced by G.
Protein change: p.Lys168Arg; replaces lysine 168 with arginine.
Molecular consequence: missense variant.
Genome position (GRCh38, 1-based): chr7:130,383,410, A>G. VCF-style: chr7-130383410-A-G. GRCh37 (hg19) VCF-style: chr7-130023251-A-G.
Other names: short protein forms K168R.
Identifiers: ClinVar variation 2448277 (VCV002448277.3), dbSNP rs2536008057, ClinGen allele CA369282166.

ClinVar aggregate classification (germline): Uncertain significance (1 of 4 stars; one submission).

Conditions:
Hereditary pancreatitis (PCTT). Also called: Hereditary chronic pancreatitis; PRSS1-Related Hereditary Pancreatitis. Identifiers: Orphanet 676, MedGen C0238339, MONDO:0008185, OMIM 167800.

Submission:

Ambry Genetics
Classification: Uncertain significance for Hereditary pancreatitis. Last evaluated: 2025-05-02. Review status: criteria provided, single submitter. Criteria: Ambry Variant Classification Scheme 2023. Collection method: clinical testing. Allele origin: germline.
Comment: The p.K168R variant (also known as c.503A>G), located in coding exon 5 of the CPA1 gene, results from an A to G substitution at nucleotide position 503. The lysine at codon 168 is replaced by arginine, an amino acid with highly similar properties. This amino acid position is conserved. In addition, this alteration is predicted to be tolerated by in silico analysis. Since supporting evidence is limited at this time, the clinical significance of this alteration remains unclear.